The following is an entry in ClinVar:

NM_005763.4(AASS):c.1990T>C (p.Ser664Pro)

Gene: AASS (aminoadipate-semialdehyde synthase; minus strand). Cytogenetic location: 7q31.32.
Variant type: single nucleotide variant.
Coding change: c.1990T>C on transcript NM_005763.4 (MANE Select); coding-DNA position 1990, T replaced by C.
Protein change: p.Ser664Pro; replaces serine 664 with proline.
Molecular consequence: missense variant.
Genome position (GRCh38, 1-based): chr7:122,091,729, A>G on the plus strand (T>C on the coding strand, the complement: AASS is on the minus strand). VCF-style: chr7-122091729-A-G. GRCh37 (hg19) VCF-style: chr7-121731783-A-G.
Other names: c.1990T>C (NM_005763.3); short protein forms S664P.
Identifiers: ClinVar variation 2199699 (VCV002199699.5), dbSNP rs202247760, ClinGen allele CA4458182.

ClinVar aggregate classification (germline): Uncertain significance. Review status: criteria provided, multiple submitters, no conflicts (2 of 4 stars). 3 submissions from 3 submitters: Uncertain significance (3). Last evaluated 2026-02-03.

Conditions:
Inborn genetic diseases. Identifiers: MedGen C0950123, MeSH D030342.

Allele frequency attached by ClinVar (database versions not stated): gnomAD 0.00004; gnomAD exomes 0.00005; ESP Exome Variant Server 0.00008; TOPMed 0.00008; ExAC 0.00009.
gnomAD v4.1: 76 of 1,613,388 alleles (0.0047%); highest among the groups gnomAD compares: Admixed American, 0.03%; no homozygotes.

Submissions (3):

GeneDx
Classification: Uncertain significance. Last evaluated: 2026-02-03. Review status: criteria provided, single submitter. Criteria: GeneDx Variant Classification Process June 2021. Collection method: clinical testing. Allele origin: germline.
Comment: In silico analysis suggests that this missense variant does not alter protein structure/function; Has not been previously published as pathogenic or benign to our knowledge

Labcorp Genetics (formerly Invitae), Labcorp
Classification: Uncertain significance. Last evaluated: 2024-10-21. Review status: criteria provided, single submitter. Criteria: Invitae Variant Classification Sherloc (09022015). Collection method: clinical testing. Allele origin: germline.
Comment: This sequence change replaces serine, which is neutral and polar, with proline, which is neutral and non-polar, at codon 664 of the AASS protein (p.Ser664Pro). This variant is present in population databases (rs202247760, gnomAD 0.03%). This variant has not been reported in the literature in individuals affected with AASS-related conditions. ClinVar contains an entry for this variant (Variation ID: 2199699). Invitae Evidence Modeling of protein sequence and biophysical properties (such as structural, functional, and spatial information, amino acid conservation, physicochemical variation, residue mobility, and thermodynamic stability) indicates that this missense variant is not expected to disrupt AASS protein function with a negative predictive value of 80%. In summary, the available evidence is currently insufficient to determine the role of this variant in disease. Therefore, it has been classified as a Variant of Uncertain Significance.

Ambry Genetics
Classification: Uncertain significance for Inborn genetic diseases. Last evaluated: 2021-02-12. Review status: criteria provided, single submitter. Criteria: Ambry Variant Classification Scheme 2023. Collection method: clinical testing. Allele origin: germline.
Comment: The c.1990T>C (p.S664P) alteration is located in exon 18 (coding exon 17) of the AASS gene. This alteration results from a T to C substitution at nucleotide position 1990, causing the serine (S) at amino acid position 664 to be replaced by a proline (P). The p.S664P alteration is predicted to be tolerated by in silico analysis. Based on insufficient or conflicting evidence, the clinical significance of this alteration remains unclear.